The following is an entry in ClinVar:

NM_002137.4(HNRNPA2B1):c.369T>C (p.Tyr123=)

Gene: HNRNPA2B1 (heterogeneous nuclear ribonucleoprotein A2/B1; minus strand). Cytogenetic location: 7p15.2.
Variant type: single nucleotide variant.
Coding change: c.369T>C on transcript NM_002137.4 (MANE Select); coding-DNA position 369, T replaced by C.
Protein change: p.Tyr123=; no amino-acid change (tyrosine 123 retained).
Molecular consequence: synonymous variant.
Genome position (GRCh38, 1-based): chr7:26,196,913, A>G on the plus strand (T>C on the coding strand, the complement: HNRNPA2B1 is on the minus strand). VCF-style: chr7-26196913-A-G. GRCh37 (hg19) VCF-style: chr7-26236533-A-G.
Other names: c.405T>C, p.Tyr135= (NM_031243.4).
Identifiers: ClinVar variation 1979421 (VCV001979421.6), dbSNP rs1292040489, ClinGen allele CA454506880.

ClinVar aggregate classification (germline): Likely benign. Review status: criteria provided, single submitter (1 of 4 stars). 2 submissions from 2 submitters: Likely benign (1). 1 of the submissions does not count toward it. Last evaluated 2024-07-23.

Conditions:
HNRNPA2B1-related disorder. Also called: HNRNPA2B1-related condition.
Inclusion body myopathy with early-onset Paget disease with or without frontotemporal dementia 2 (IBMPFD2). Also called: MULTISYSTEM PROTEINOPATHY 2. Identifiers: MedGen C3809468, MONDO:0014178, OMIM 615422.

Allele frequency attached by ClinVar (database versions not stated): TOPMed below 0.00001; gnomAD 0.00001; gnomAD exomes 0.00001.
gnomAD v4.1: 10 of 1,613,504 alleles (0.00062%); highest among the groups gnomAD compares: Non-Finnish European, 0.00085%; no homozygotes.

Submissions (2):

Labcorp Genetics (formerly Invitae), Labcorp
Classification: Likely benign for Inclusion body myopathy with early-onset Paget disease with or without frontotemporal dementia 2. Last evaluated: 2024-07-23. Review status: criteria provided, single submitter. Criteria: Invitae Variant Classification Sherloc (09022015). Collection method: clinical testing. Allele origin: germline.

PreventionGenetics, part of Exact Sciences
Classification: Likely benign for HNRNPA2B1-related condition. Last evaluated: 2022-07-31. Review status: no assertion criteria provided. Collection method: clinical testing. Allele origin: germline. Not counted in ClinVar's aggregate classification.
Comment: This variant is classified as likely benign based on ACMG/AMP sequence variant interpretation guidelines (Richards et al. 2015 PMID: 25741868, with internal and published modifications).